The following is an entry in ClinVar:

ClinVar aggregate classification (germline): Pathogenic (1 of 4 stars; one submission).

gnomAD v4.1: 1 of 1,613,984 alleles (0.000062%); highest among the groups gnomAD compares: South Asian, 0.0011%; no homozygotes.

Submission:

Labcorp Genetics (formerly Invitae), Labcorp
Classification: Pathogenic. Last evaluated: 2023-11-25. Review status: criteria provided, single submitter. Criteria: Invitae Variant Classification Sherloc (09022015). Collection method: clinical testing. Allele origin: germline.
Comment: This sequence change creates a premature translational stop signal (p.Trp1302*) in the USH2A gene. It is expected to result in an absent or disrupted protein product. Loss-of-function variants in USH2A are known to be pathogenic (PMID: 10729113, 10909849, 20507924, 25649381). This variant is present in population databases (no rsID available, gnomAD 0.003%). This variant has not been reported in the literature in individuals affected with USH2A-related conditions. Algorithms developed to predict the effect of sequence changes on RNA splicing suggest that this variant may disrupt the consensus splice site. For these reasons, this variant has been classified as Pathogenic.

Literature cited by the submitters: PubMed 10729113; PubMed 10909849; PubMed 20507924; PubMed 25649381.

NM_206933.4(USH2A):c.3906G>A (p.Trp1302Ter)

Genes: USH2A (usherin; minus strand), USH2A-AS1 (USH2A antisense RNA 1; plus strand). Cytogenetic location: 1q41.
Variant type: single nucleotide variant.
Coding change: c.3906G>A on transcript NM_206933.4 (MANE Select); coding-DNA position 3906, G replaced by A.
Protein change: p.Trp1302Ter; replaces tryptophan 1302 with a stop codon.
Molecular consequence: nonsense.
Genome position (GRCh38, 1-based): chr1:216,198,490, C>T on the plus strand (G>A on the coding strand, the complement: USH2A is on the minus strand). VCF-style: chr1-216198490-C-T. GRCh37 (hg19) VCF-style: chr1-216371832-C-T.
Other names: c.3906G>A, p.Trp1302Ter (NM_007123.6); short protein forms W1302*.
Identifiers: ClinVar variation 2698873 (VCV002698873.3), dbSNP rs376193847, ClinGen allele CA344867215.
Genomic context (GRCh38, chr1:216,198,490, plus strand): 5'-TGTTTGAGGAGGTTTTAATGCATTTTCATTGGCCGATTCTACAAATGAATGAGGACTGAG[C>T]CAACCACTGCTCTGAAAAACTCGACTTTCCTCAGATGTGGTTTCTTTAGTAGATCTCAGT-3'